The following is an entry in ClinVar:

ClinVar aggregate classification (germline): Likely pathogenic (1 of 4 stars; one submission).

Conditions:
CHD7-related disorder. Also called: CHD7-related condition.

Submission:

PreventionGenetics, part of Exact Sciences
Classification: Likely pathogenic for CHD7-related condition. Last evaluated: 2023-10-09. Review status: criteria provided, single submitter. Criteria: ACMG Guidelines, 2015. Collection method: clinical testing. Allele origin: germline.
Comment: The CHD7 c.6103+2T>C variant is predicted to disrupt the GT donor site and interfere with normal splicing. To our knowledge, this variant has not been reported in the literature or in a large population database, indicating this variant is rare. However, another variant affecting splicing at the donor site has been reported in a patient with CHARGE syndrome (c.6103+1G>A, Janssen et al. 2012. PubMed ID: 22461308). Variants that disrupt the consensus splice donor site in CHD7 are expected to be pathogenic. This variant is interpreted as likely pathogenic.

NM_017780.4(CHD7):c.6103+2T>C

Gene: CHD7 (chromodomain helicase DNA binding protein 7; plus strand). Cytogenetic location: 8q12.2.
Variant type: single nucleotide variant.
Coding change: c.6103+2T>C on transcript NM_017780.4 (MANE Select); the canonical splice donor site of the intron after coding-DNA position 6103, T replaced by C.
Molecular consequence: splice donor variant. On other transcripts: intron variant (1).
Genome position (GRCh38, 1-based): chr8:60,852,708, T>C. VCF-style: chr8-60852708-T-C. GRCh37 (hg19) VCF-style: chr8-61765267-T-C.
Other names: c.1717-9521T>C (NM_001316690.1).
Identifiers: ClinVar variation 2634006 (VCV002634006.1), dbSNP rs2488037309, ClinGen allele CA371324179.